The following is an entry in ClinVar:

NM_001042492.3(NF1):c.8073T>G (p.His2691Gln)

Gene: NF1 (neurofibromin 1; plus strand). Cytogenetic location: 17q11.2.
Variant type: single nucleotide variant.
Coding change: c.8073T>G on transcript NM_001042492.3 (MANE Select); coding-DNA position 8073, T replaced by G.
Protein change: p.His2691Gln; replaces histidine 2691 with glutamine.
Molecular consequence: missense variant.
Genome position (GRCh38, 1-based): chr17:31,358,582, T>G. VCF-style: chr17-31358582-T-G. GRCh37 (hg19) VCF-style: chr17-29685600-T-G.
Other names: c.8010T>G, p.His2670Gln (NM_000267.4); short protein forms H2670Q, H2691Q.
Identifiers: ClinVar variation 237603 (VCV000237603.21), dbSNP rs375468032, ClinGen allele CA8487725.

ClinVar aggregate classification (germline): Conflicting classifications of pathogenicity. Review status: criteria provided, conflicting classifications (1 of 4 stars). 8 submissions from 8 submitters: Uncertain significance (5); Benign (1); Likely benign (2). Last evaluated 2026-08-01.

Conditions:
Cardiovascular phenotype. Identifiers: MedGen CN230736.
Hereditary cancer-predisposing syndrome. Also called: Hereditary neoplastic syndrome; Hereditary Cancer Syndrome; Neoplastic Syndromes, Hereditary; Tumor predisposition. Identifiers: Orphanet 140162, MedGen C0027672, MeSH D009386, MONDO:0015356.
Neurofibromatosis, type 1 (NF1). Also called: Neurofibromatosis, type I; Peripheral type neurofibromatosis; VON RECKLINGHAUSEN DISEASE; NEUROFIBROMATOSIS, TYPE I, SOMATIC. Identifiers: Orphanet 636, MedGen C0027831, MONDO:0018975, OMIM 162200. Disease mechanism: loss of function.
Neurofibromatosis, familial spinal (FSNF). Identifiers: Orphanet 636, MedGen C1834235, MONDO:0008078, OMIM 162210. Disease mechanism: loss of function.
Neurofibromatosis-Noonan syndrome (NFNS). Also called: NEUROFIBROMATOSIS WITH NOONAN PHENOTYPE. Identifiers: Orphanet 638, MedGen C2931482, MONDO:0011035, OMIM 601321. Disease mechanism: loss of function.
Café-au-lait macules with pulmonary stenosis (WTSN). Also called: PULMONIC STENOSIS WITH CAFE-AU-LAIT SPOTS. Identifiers: MedGen C0553586, MONDO:0008672, OMIM 193520.
Juvenile myelomonocytic leukemia (JMML). Also called: LEUKEMIA, JUVENILE MYELOMONOCYTIC, SOMATIC. Identifiers: Orphanet 86834, MedGen C0349639, MONDO:0011908, OMIM 607785, HP:0012209.

Allele frequency attached by ClinVar (database versions not stated): gnomAD 0.00002; gnomAD exomes 0.00002; TOPMed 0.00002; ExAC 0.00003; ESP Exome Variant Server 0.00015.
gnomAD v4.1: 26 of 1,613,934 alleles (0.0016%); highest among the groups gnomAD compares: Non-Finnish European, 0.0021%; no homozygotes.

Submissions (8):

CeGaT Center for Human Genetics Tuebingen
Classification: Likely benign. Last evaluated: 2026-08-01. Review status: criteria provided, single submitter. Criteria: CeGaT Center For Human Genetics Tuebingen Variant Classification Criteria Version 2. Collection method: clinical testing. Allele origin: germline. Affected: yes. Observed: 1 variant allele.
Comment: NF1: BS2

Labcorp Genetics (formerly Invitae), Labcorp
Classification: Benign for Neurofibromatosis, type 1. Last evaluated: 2025-04-01. Review status: criteria provided, single submitter. Criteria: Invitae Variant Classification Sherloc (09022015). Collection method: clinical testing. Allele origin: germline.

Fulgent Genetics
Classification: Uncertain significance for Neurofibromatosis, type 1; Neurofibromatosis, familial spinal; Café-au-lait macules with pulmonary stenosis; Neurofibromatosis-Noonan syndrome; Juvenile myelomonocytic leukemia. Last evaluated: 2024-05-13. Review status: criteria provided, single submitter. Criteria: ACMG Guidelines, 2015. Collection method: clinical testing. Allele origin: germline.

Women's Health and Genetics/Laboratory Corporation of America, LabCorp
Classification: Uncertain significance. Last evaluated: 2023-12-18. Review status: criteria provided, single submitter. Criteria: LabCorp Variant Classification Summary - May 2015. Collection method: clinical testing. Allele origin: germline.
Comment: Variant summary: NF1 c.8010T>G (p.His2670Gln) results in a non-conservative amino acid change in the encoded protein sequence. Three of five in-silico tools predict a benign effect of the variant on protein function. The variant allele was found at a frequency of 1.6e-05 in 251306 control chromosomes. The available data on variant occurrences in the general population are insufficient to allow any conclusion about variant significance. To our knowledge, c.8010T>G has been not reported in the literature in individuals affected with Neurofibromatosis Type 1 and no experimental evidence demonstrating an impact on protein function has been reported. The following publication has been ascertained in the context of this evaluation (PMID: 29281626). Five submitters have cited clinical-significance assessments for this variant to ClinVar after 2014, classifying the variant as uncertain significance (n=4) or likely benign (n=1). Based on the evidence outlined above, the variant was classified as uncertain significance.

Ambry Genetics
Classification: Likely benign for Cardiovascular phenotype; Hereditary cancer-predisposing syndrome. Last evaluated: 2023-01-25. Review status: criteria provided, single submitter. Criteria: Ambry Variant Classification Scheme 2023. Collection method: clinical testing. Allele origin: germline.

GeneDx
Classification: Uncertain significance. Last evaluated: 2022-11-21. Review status: criteria provided, single submitter. Criteria: GeneDx Variant Classification Process June 2021. Collection method: clinical testing. Allele origin: germline. Affected: yes.
Comment: In silico analysis supports that this missense variant has a deleterious effect on protein structure/function; Has not been previously published as pathogenic or benign to our knowledge; This variant is associated with the following publications: (PMID: 30274822, 25486365)

Genome-Nilou Lab
Classification: Uncertain significance for Neurofibromatosis, type 1. Last evaluated: 2022-03-15. Review status: criteria provided, single submitter. Criteria: ACMG Guidelines, 2015. Collection method: clinical testing. Allele origin: germline. Affected: no.

Genetics and Molecular Pathology, SA Pathology
Classification: Uncertain significance for Neurofibromatosis, type 1. Last evaluated: 2021-06-02. Review status: criteria provided, single submitter. Criteria: ACMG Guidelines, 2015. Collection method: clinical testing. Allele origin: germline. Affected: yes.

Literature cited by the submitters: PubMed 29281626 (cited by Women's Health and Genetics/Laboratory Corporation of America, LabCorp).